The following is an entry in ClinVar:

ClinVar aggregate classification (germline): Pathogenic (1 of 4 stars; one submission).

Conditions:
Lipoic acid synthetase deficiency. Also called: HYPERGLYCINEMIA, LACTIC ACIDOSIS, AND SEIZURES. Identifiers: Orphanet 401859, MedGen C3280887, MONDO:0013762, OMIM 614462.

gnomAD v4.1: 2 of 1,609,268 alleles (0.00012%); highest among the groups gnomAD compares: Non-Finnish European, 0.00017%; no homozygotes.

Submission:

Labcorp Genetics (formerly Invitae), Labcorp
Classification: Pathogenic for Lipoic acid synthetase deficiency. Last evaluated: 2025-09-14. Review status: criteria provided, single submitter. Criteria: Invitae Variant Classification Sherloc (09022015). Collection method: clinical testing. Allele origin: germline.
Comment: This sequence change creates a premature translational stop signal (p.Glu37*) in the LIAS gene. It is expected to result in an absent or disrupted protein product. Loss-of-function variants in LIAS are known to be pathogenic (PMID: 24334290, 27923773). This variant is not present in population databases (gnomAD no frequency). This variant has not been reported in the literature in individuals affected with LIAS-related conditions. For these reasons, this variant has been classified as Pathogenic.

Literature cited by the submitters: PubMed 24334290; PubMed 27923773.

NM_006859.4(LIAS):c.109G>T (p.Glu37Ter)

Gene: LIAS (lipoic acid synthetase; plus strand). Cytogenetic location: 4p14.
Variant type: single nucleotide variant.
Coding change: c.109G>T on transcript NM_006859.4 (MANE Select); coding-DNA position 109, G replaced by T.
Protein change: p.Glu37Ter; replaces glutamic acid 37 with a stop codon.
Molecular consequence: nonsense.
Genome position (GRCh38, 1-based): chr4:39,460,853, G>T. VCF-style: chr4-39460853-G-T. GRCh37 (hg19) VCF-style: chr4-39462473-G-T.
Other names: c.109G>T, p.Glu37Ter (NM_001278590.2, NM_001278591.2, NM_001278592.2 and 2 more transcripts); short protein forms E37*.
Identifiers: ClinVar variation 4808299 (VCV004808299.1).